The following is an entry in ClinVar:

ClinVar aggregate classification (germline): Uncertain significance (1 of 4 stars; one submission).

gnomAD v4.1: 1 of 1,612,242 alleles (0.000062%); highest among the groups gnomAD compares: Non-Finnish European, 0.000085%; no homozygotes.

Submission:

Ambry Genetics
Classification: Uncertain significance. Last evaluated: 2026-03-14. Review status: criteria provided, single submitter. Criteria: Ambry Variant Classification Scheme 2023. Collection method: clinical testing. Allele origin: germline.
Comment: The p.P289L variant (also known as c.866C>T), located in coding exon 7 of the GEN1 gene, results from a C to T substitution at nucleotide position 866. The proline at codon 289 is replaced by leucine, an amino acid with similar properties. This amino acid position is conserved. In addition, the in silico prediction for this alteration is inconclusive. Based on the available evidence, the clinical significance of this variant remains unclear.

NM_001130009.3(GEN1):c.866C>T (p.Pro289Leu)

Gene: GEN1 (GEN1 structure-specific endonuclease; plus strand). Cytogenetic location: 2p24.2.
Variant type: single nucleotide variant.
Coding change: c.866C>T on transcript NM_001130009.3 (MANE Select); coding-DNA position 866, C replaced by T.
Protein change: p.Pro289Leu; replaces proline 289 with leucine.
Molecular consequence: missense variant.
Genome position (GRCh38, 1-based): chr2:17,772,697, C>T. VCF-style: chr2-17772697-C-T. GRCh37 (hg19) VCF-style: chr2-17953964-C-T.
Other names: c.866C>T, p.Pro289Leu (NM_182625.5); short protein forms P289L.
Identifiers: ClinVar variation 4826312 (VCV004826312.1).
Genomic context (GRCh38, chr2:17,772,697, plus strand): 5'-CACCTAAGGATCATGAACGTAATGGATGCAGATTATGTAAAAGTGATAAATATTGTGAGC[C>T]ACATGACTATGAATACTGCTGTCCTTGTGAGTGGCACCGTACAGAACATGATAGGCAACT-3'
Protein context (NP_001123481.3, residues 279-299): RLCKSDKYCE[Pro289Leu]HDYEYCCPCE